The following is an entry in ClinVar:

ClinVar aggregate classification (germline): Uncertain significance (1 of 4 stars; one submission).

Conditions:
Aortic valve disease 2 (AOVD2). Identifiers: MedGen C3542024, MONDO:0013902, OMIM 614823.

Submission:

Labcorp Genetics (formerly Invitae), Labcorp
Classification: Uncertain significance for Aortic valve disease 2. Last evaluated: 2018-01-24. Review status: criteria provided, single submitter. Criteria: Invitae Variant Classification Sherloc (09022015). Collection method: clinical testing. Allele origin: germline.
Comment: In summary, the available evidence is currently insufficient to determine the role of this variant in disease. Therefore, it has been classified as a Variant of Uncertain Significance. Algorithms developed to predict the effect of missense changes on protein structure and function do not agree on the potential impact of this missense change (SIFT: "Tolerated"; PolyPhen-2: "Probably Damaging"; Align-GVGD: "Class C0"). This variant has not been reported in the literature in individuals with SMAD6-related disease. While this variant is not present in population databases, the frequency information is unreliable, as metrics indicate poor data quality at this position in the ExAC database. This sequence change replaces leucine with phenylalanine at codon 128 of the SMAD6 protein (p.Leu128Phe). The leucine residue is highly conserved and there is a small physicochemical difference between leucine and phenylalanine.

NM_005585.5(SMAD6):c.382C>T (p.Leu128Phe)

Gene: SMAD6 (SMAD family member 6; plus strand). Cytogenetic location: 15q22.31.
Variant type: single nucleotide variant.
Coding change: c.382C>T on transcript NM_005585.5 (MANE Select); coding-DNA position 382, C replaced by T.
Protein change: p.Leu128Phe; replaces leucine 128 with phenylalanine.
Molecular consequence: missense variant. On other transcripts: non-coding transcript variant (1).
Genome position (GRCh38, 1-based): chr15:66,703,640, C>T. VCF-style: chr15-66703640-C-T. GRCh37 (hg19) VCF-style: chr15-66995978-C-T.
Other names: short protein forms L128F.
Identifiers: ClinVar variation 575532 (VCV000575532.8), dbSNP rs1567091533, ClinGen allele CA392949437.